The following is an entry in ClinVar:

ClinVar aggregate classification (germline): Uncertain significance (1 of 4 stars; one submission).

Submission:

Ambry Genetics
Classification: Uncertain significance. Last evaluated: 2024-12-06. Review status: criteria provided, single submitter. Criteria: Ambry Variant Classification Scheme 2023. Collection method: clinical testing. Allele origin: germline.
Comment: The p.T1346I variant (also known as c.4037C>T), located in coding exon 14 of the CDK12 gene, results from a C to T substitution at nucleotide position 4037. The threonine at codon 1346 is replaced by isoleucine, an amino acid with similar properties. This amino acid position is conserved. In addition, this alteration is predicted to be tolerated by in silico analysis. Based on the available evidence, the clinical significance of this variant remains unclear.

NM_016507.4(CDK12):c.4037C>T (p.Thr1346Ile)

Gene: CDK12 (cyclin dependent kinase 12; plus strand). Cytogenetic location: 17q12.
Variant type: single nucleotide variant.
Coding change: c.4037C>T on transcript NM_016507.4 (MANE Select); coding-DNA position 4037, C replaced by T.
Protein change: p.Thr1346Ile; replaces threonine 1346 with isoleucine.
Molecular consequence: missense variant.
Genome position (GRCh38, 1-based): chr17:39,530,880, C>T. VCF-style: chr17-39530880-C-T. GRCh37 (hg19) VCF-style: chr17-37687133-C-T.
Other names: c.4010C>T, p.Thr1337Ile (NM_015083.4); short protein forms T1346I, T1337I.
Identifiers: ClinVar variation 3489361 (VCV003489361.1).